The following is an entry in ClinVar:

ClinVar aggregate classification (germline): Uncertain significance (1 of 4 stars; one submission).

Submission:

Labcorp Genetics (formerly Invitae), Labcorp
Classification: Uncertain significance. Last evaluated: 2022-03-18. Review status: criteria provided, single submitter. Criteria: Invitae Variant Classification Sherloc (09022015). Collection method: clinical testing. Allele origin: germline.
Comment: This sequence change replaces valine, which is neutral and non-polar, with glycine, which is neutral and non-polar, at codon 996 of the FAT1 protein (p.Val996Gly). This variant is not present in population databases (gnomAD no frequency). This variant has not been reported in the literature in individuals affected with FAT1-related conditions. Algorithms developed to predict the effect of missense changes on protein structure and function (SIFT, PolyPhen-2, Align-GVGD) all suggest that this variant is likely to be disruptive. In summary, the available evidence is currently insufficient to determine the role of this variant in disease. Therefore, it has been classified as a Variant of Uncertain Significance.

NM_005245.4(FAT1):c.2987T>G (p.Val996Gly)

Gene: FAT1 (FAT atypical cadherin 1; minus strand). Cytogenetic location: 4q35.2.
Variant type: single nucleotide variant.
Coding change: c.2987T>G on transcript NM_005245.4 (MANE Select); coding-DNA position 2987, T replaced by G.
Protein change: p.Val996Gly; replaces valine 996 with glycine.
Molecular consequence: missense variant.
Genome position (GRCh38, 1-based): chr4:186,706,841, A>C on the plus strand (T>G on the coding strand, the complement: FAT1 is on the minus strand). VCF-style: chr4-186706841-A-C. GRCh37 (hg19) VCF-style: chr4-187627995-A-C.
Other names: short protein forms V996G.
Identifiers: ClinVar variation 2113563 (VCV002113563.4), dbSNP rs2126683480, ClinGen allele CA358984325.